The following is an entry in ClinVar:

NM_001267550.2(TTN):c.66463+5G>A

Genes: TTN (titin; minus strand), TTN-AS1 (TTN antisense RNA 1; plus strand). Cytogenetic location: 2q31.2.
Variant type: single nucleotide variant.
Coding change: c.66463+5G>A on transcript NM_001267550.2 (MANE Select); 5 bases into the intron after coding-DNA position 66463, G replaced by A.
Molecular consequence: intron variant.
Genome position (GRCh38, 1-based): chr2:178,581,901, C>T on the plus strand (G>A on the coding strand, the complement: TTN is on the minus strand). VCF-style: chr2-178581901-C-T. GRCh37 (hg19) VCF-style: chr2-179446628-C-T.
Other names: c.39268+5G>A (NM_003319.4); c.39844+5G>A (NM_133437.4); c.39643+5G>A (NM_133432.3); c.58759+5G>A (NM_133378.4); c.61540+5G>A (NM_001256850.1).
Identifiers: ClinVar variation 2947913 (VCV002947913.3), dbSNP rs2469005789, ClinGen allele CA2740096053.

ClinVar aggregate classification (germline): Uncertain significance (1 of 4 stars; one submission).

Conditions:
Dilated cardiomyopathy 1G (CMD1G). Identifiers: Orphanet 154, MedGen C1858763, MONDO:0011400, OMIM 604145.
Autosomal recessive limb-girdle muscular dystrophy type 2J (LGMDR10). Also called: Limb-girdle muscular dystrophy, type 2J; MUSCULAR DYSTROPHY, LIMB-GIRDLE, AUTOSOMAL RECESSIVE 10. Identifiers: Orphanet 140922, MedGen C1837342, MONDO:0012127, OMIM 608807.

Submission:

Labcorp Genetics (formerly Invitae), Labcorp
Classification: Uncertain significance for Dilated cardiomyopathy 1G; Autosomal recessive limb-girdle muscular dystrophy type 2J. Last evaluated: 2023-08-31. Review status: criteria provided, single submitter. Criteria: Invitae Variant Classification Sherloc (09022015). Collection method: clinical testing. Allele origin: germline.
Comment: This variant is located in the A band of TTN (PMID: 25589632). Variants in this region may be relevant for cardiac or neuromuscular disorders (PMID: 25589632, 23975875). In summary, the available evidence is currently insufficient to determine the role of this variant in disease. Therefore, it has been classified as a Variant of Uncertain Significance. Variants that disrupt the consensus splice site are a relatively common cause of aberrant splicing (PMID: 17576681, 9536098). Algorithms developed to predict the effect of sequence changes on RNA splicing suggest that this variant may disrupt the consensus splice site. This variant has not been reported in the literature in individuals affected with TTN-related conditions. This variant is not present in population databases (gnomAD no frequency). This sequence change falls in intron 315 of the TTN gene. It does not directly change the encoded amino acid sequence of the TTN protein. It affects a nucleotide within the consensus splice site.

Literature cited by the submitters: PubMed 25589632; PubMed 23975875; PubMed 17576681; PubMed 9536098.